The following is an entry in ClinVar:

NM_001005361.3(DNM2):c.1393C>T (p.Arg465Trp)

Gene: DNM2 (dynamin 2; plus strand). Cytogenetic location: 19p13.2.
Variant type: single nucleotide variant.
Coding change: c.1393C>T on transcript NM_001005361.3 (MANE Select); coding-DNA position 1393, C replaced by T.
Protein change: p.Arg465Trp; replaces arginine 465 with tryptophan.
Molecular consequence: missense variant.
Genome position (GRCh38, 1-based): chr19:10,798,543, C>T. VCF-style: chr19-10798543-C-T. GRCh37 (hg19) VCF-style: chr19-10909219-C-T.
Other names: NM_001005361.3(DNM2):c.1393C>T; c.1393C>T, p.Arg465Trp (NM_001005360.3, NM_001005362.3, NM_001190716.2 and 1 more transcripts); short protein forms R465W.
Identifiers: ClinVar variation 7281 (VCV000007281.53), dbSNP rs121909091, ClinGen allele CA172098.

ClinVar aggregate classification (germline): Pathogenic. Review status: reviewed by expert panel (3 of 4 stars). 20 submissions from 20 submitters: Pathogenic (1). 19 of the submissions do not count toward it. Last evaluated 2024-08-07.

Conditions:
DNM2-related disorder. Also called: DNM2-related condition.
DNM2-related disorders.
Centronuclear myopathy (CNM). Also called: Myotubular myopathy; Centronuclear myopathy, congenital. Identifiers: Orphanet 595, MedGen C0175709, MONDO:0018947. Inheritance: All.
Charcot-Marie-Tooth disease dominant intermediate B (CMTDIB). Also called: Charcot-Marie-Tooth disease dominant intermediate 1; CMT DI1; Charcot-Marie-Tooth disease dominant intermediate I; CHARCOT-MARIE-TOOTH NEUROPATHY, DOMINANT INTERMEDIATE B. Identifiers: Orphanet 100044, Orphanet 228179, MedGen C1847902, MONDO:0011674, OMIM 606482.
Autosomal dominant centronuclear myopathy. Also called: MYOTUBULAR MYOPATHY, AUTOSOMAL DOMINANT; Myopathy, centronuclear, 3. Identifiers: Orphanet 169189, MedGen C4551952, MeSH D020914, MONDO:0008048, OMIM 160150.
Abnormality of the musculature. Identifiers: MedGen C4021745, HP:0003011.

Allele frequency attached by ClinVar (database versions not stated): gnomAD exomes below 0.00001.
gnomAD v4.1: 2 of 1,614,190 alleles (0.00012%); highest among the groups gnomAD compares: Non-Finnish European, 0.00017%; no homozygotes.

Submissions 1 to 13 of 20:

ClinGen Congenital Myopathies Variant Curation Expert Panel, ClinGen
Classification: Pathogenic for Centronuclear myopathy. Last evaluated: 2024-08-07. Review status: reviewed by expert panel. Criteria: ClinGen CongenMyopathy ACMG Specifications DNM2 V1.0.0. Collection method: curation. Allele origin: germline. Inheritance: Autosomal dominant inheritance.
Comment: The variant NM_001005361.3:c.1393C>T in DNM2 is a missense variant predicted to cause substitution of arginine by tryptophan at amino acid 465 (p.Arg465Trp). The highest population minor allele frequency in gnomAD v4.1 is 0.000001695 (2/1180018 alleles) in the European (non-Finnish) population (PM2_Supporting, BS1, and BA1 are not met). The REVEL computational prediction analysis tool produced a score of 0.83, which is above the threshold necessary to apply PP3. This variant has been reported in at least six probands with confirmed centronuclear myopathy (PS4; PMID: 16227997, 19130742, 22613877, 26908122, 28740838, 34463354, 34595679). In addition, it segregated in five affected individuals in one family (PP1_Strong; PMID: 16227997). Functional studies have demonstrated that this variant increases GTPase activity compared to wildtype dynamin (PMIDs: 20529869, 26199319). Several knock-in mouse models with the variant have been created and show muscle defects, progressive atrophy and morphological abnormalities similar to those observed in human biopsies, and DNM2 reduction has been shown to rescue the phenotype in mice (PS3; PMIDs: 20858595, 30291191). In summary, this variant meets the criteria to be classified as pathogenic for autosomal dominant centronuclear myopathy based on the ACMG/AMP criteria applied, as specified by the ClinGen Congenital Myopathies VCEP: PP3, PS4, PP1_Strong, PS3. (ClinGen Congenital Myopathies VCEP specifications version 1; 8/7/2024)

CeGaT Center for Human Genetics Tuebingen
Classification: Pathogenic. Last evaluated: 2026-09-01. Review status: criteria provided, single submitter. Criteria: CeGaT Center For Human Genetics Tuebingen Variant Classification Criteria Version 2. Collection method: clinical testing. Allele origin: germline. Affected: yes. Observed: 1 variant allele. Not counted in ClinVar's aggregate classification.
Comment: DNM2: PP1:Strong, PS4, PM2, PP3, PS3:Supporting

Labcorp Genetics (formerly Invitae), Labcorp
Classification: Pathogenic for Charcot-Marie-Tooth disease dominant intermediate B. Last evaluated: 2025-10-02. Review status: criteria provided, single submitter. Criteria: Invitae Variant Classification Sherloc (09022015). Collection method: clinical testing. Allele origin: germline. Not counted in ClinVar's aggregate classification.
Comment: This sequence change replaces arginine, which is basic and polar, with tryptophan, which is neutral and slightly polar, at codon 465 of the DNM2 protein (p.Arg465Trp). This variant is not present in population databases (gnomAD no frequency). This missense change has been observed in individuals with autosomal dominant centronuclear myopathy (PMID: 16227997, 22396310). It has also been observed to segregate with disease in related individuals. ClinVar contains an entry for this variant (Variation ID: 7281). Invitae Evidence Modeling of protein sequence and biophysical properties (such as structural, functional, and spatial information, amino acid conservation, physicochemical variation, residue mobility, and thermodynamic stability) has been performed for this missense variant. However, the output from this modeling did not meet the statistical confidence thresholds required to predict the impact of this variant on DNM2 protein function. Experimental studies have shown that this missense change affects DNM2 function (PMID: 20858595, 22096584, 22369075, 27343996). For these reasons, this variant has been classified as Pathogenic.

Revvity Omics, Revvity
Classification: Pathogenic. Last evaluated: 2025-05-07. Review status: criteria provided, single submitter. Criteria: ACMG Guidelines, 2015. Collection method: clinical testing. Allele origin: germline. Not counted in ClinVar's aggregate classification.

Molecular Genetics, Royal Melbourne Hospital
Classification: Pathogenic for Centronuclear myopathy. Last evaluated: 2024-04-07. Review status: criteria provided, single submitter. Criteria: ACMG Guidelines, 2015. Collection method: clinical testing. Allele origin: germline. Inheritance: Autosomal dominant inheritance. Affected: yes. Not counted in ClinVar's aggregate classification.
Comment: This sequence change in DNM2 is predicted to replace arginine with tryptophan at codon 465, p.(Arg465Trp). The arginine residue is highly conserved (100 vertebrates, Multiz Alignments), and is located in the dynamin central region. There is a large physicochemical difference between arginine and tryptophan. This variant is absent from the population database gnomAD v2.1 and v3.1. The variant is a commonly reported cause of centronuclear myopathy in different populations and segregates with disease in multiple families (PMID: 16227997, 22396310, 23394783, 26908122, 34837441). A knock-in mouse model for the variant develops myopathy (PMID: 20858595). Computational evidence predicts a deleterious effect for the missense substitution (REVEL = 0.83). Based on the classification scheme RMH Modified ACMG/AMP Guidelines v1.6.1, this variant is classified as PATHOGENIC. Following criteria are met: PP1_Strong, PP3, PS3_Moderate, PS4, PM2_Supporting.

Mayo Clinic Laboratories, Mayo Clinic
Classification: Pathogenic. Last evaluated: 2023-11-22. Review status: criteria provided, single submitter. Criteria: ACMG Guidelines, 2015. Collection method: clinical testing. Allele origin: germline. Observed: 1 variant allele. Not counted in ClinVar's aggregate classification.
Comment: PP3, PM2_moderate, PM6, PS3, PS4

Laboratory of Medical Genetics, National & Kapodistrian University of Athens
Classification: Pathogenic for Autosomal dominant centronuclear myopathy. Last evaluated: 2023-09-25. Review status: criteria provided, single submitter. Criteria: ACMG Guidelines, 2015. Collection method: clinical testing. Allele origin: germline. Affected: yes. Not counted in ClinVar's aggregate classification.
Comment: PM2, PP2, PP3, PP5 - The variant has been reported in ClinVar as Pathogenic by other laboratories (Variation ID 7281). This variant has been previously reported as causative for centronuclear myopathy. (PMID:34837441).

GeneDx
Classification: Pathogenic. Last evaluated: 2022-12-08. Review status: criteria provided, single submitter. Criteria: GeneDx Variant Classification Process June 2021. Collection method: clinical testing. Allele origin: germline. Affected: yes. Not counted in ClinVar's aggregate classification.
Comment: Published functional studies demonstrate that R465W increases GTPase activity and leads to a highly stable dynamin complex that is resistant to normal disassembly; knock-in mice show muscle defects, progressive atrophy, and muscle biopsy changes similar to humans (Cowling et al., 2011; Wang et al., 2010; Durieux et al., 2010); Not observed in large population cohorts (gnomAD); This variant is associated with the following publications: (PMID: 26908122, 26199319, 27447704, 22369075, 16227997, 19623537, 20227276, 26633545, 22613877, 22451505, 22096584, 21762456, 21514436, 20529869, 28466468, 28740838, 19130742, 31017801, 31628461, 29246969, 32721234, 35282416, 33187981, 33097808, 35244154, 34595679, 35217605, 30291191, 32315611, 34463354, 20858595)

MGZ Medical Genetics Center
Classification: Pathogenic for Autosomal dominant centronuclear myopathy. Last evaluated: 2022-02-08. Review status: criteria provided, single submitter. Criteria: ACMG Guidelines, 2015. Collection method: clinical testing. Allele origin: germline. Affected: yes. Observed: 1 variant allele. Not counted in ClinVar's aggregate classification.
Comment: ACMG criteria applied: PS3, PM1, PM2_SUP, PP1, PP2, PP3

Centre of Medical Genetics, University Hospital Muenster
Classification: Pathogenic for Autosomal dominant centronuclear myopathy. Last evaluated: 2022-02-04. Review status: criteria provided, single submitter. Criteria: ACMG Guidelines, 2015. Collection method: clinical testing. Allele origin: germline. Affected: yes. Observed: 1 variant allele, 1 heterozygote. Not counted in ClinVar's aggregate classification.
Comment: ACMG categories: PS3,PM1,PM2,PP3,PP5

Kariminejad - Najmabadi Pathology & Genetics Center
Classification: Pathogenic for Abnormality of the musculature. Last evaluated: 2021-07-10. Review status: criteria provided, single submitter. Criteria: ACMG Guidelines, 2015. Collection method: clinical testing. Allele origin: germline. Affected: yes. Not counted in ClinVar's aggregate classification.

Blueprint Genetics
Classification: Pathogenic for DNM2-related disorders. Last evaluated: 2018-04-24. Review status: criteria provided, single submitter. Criteria: ACMG Guidelines, 2015. Collection method: clinical testing. Allele origin: germline. Affected: yes. Observed: 2 variant alleles. Not counted in ClinVar's aggregate classification.

Baylor Genetics
Classification: Pathogenic for Myopathy, centronuclear, 1. Last evaluated: 2013-11-06. Review status: criteria provided, single submitter. Criteria: Yang et al. 2013. Collection method: clinical testing. Allele origin: germline. Inheritance: Autosomal dominant inheritance. Affected: yes. Observed: 1 variant allele, 1 heterozygote. Study: Adult_WES. Not counted in ClinVar's aggregate classification.